The following is an entry in ClinVar:

NM_001033561.2(PHF12):c.1526C>G (p.Ser509Cys)

Gene: PHF12 (PHD finger protein 12; minus strand). Cytogenetic location: 17q11.2.
Variant type: single nucleotide variant.
Coding change: c.1526C>G on transcript NM_001033561.2 (MANE Select); coding-DNA position 1526, C replaced by G.
Protein change: p.Ser509Cys; replaces serine 509 with cysteine.
Molecular consequence: missense variant.
Genome position (GRCh38, 1-based): chr17:28,913,045, G>C on the plus strand (C>G on the coding strand, the complement: PHF12 is on the minus strand). VCF-style: chr17-28913045-G-C. GRCh37 (hg19) VCF-style: chr17-27240063-G-C.
Other names: c.1526C>G, p.Ser509Cys (NM_001290131.2, NM_020889.3); short protein forms S509C.
Identifiers: ClinVar variation 4885985 (VCV004885985.2).
Genomic context (GRCh38, chr17:28,913,045, plus strand): 5'-GATTTTTCCGCACAAGAACTGCAGCCGATGTCCTCTAGGGCTGGGGACTGGTGGGGTGGA[G>C]AGCAGCTCAGGGAATTCTGGGTGCTAATCCCTGAGGGGCAGGACAAGGGGTAGTGGGAAG-3'
Protein context (NP_001028733.1, residues 499-519): GISTQNSLSC[Ser509Cys]PPHQSPALED

ClinVar aggregate classification (germline): Uncertain significance (1 of 4 stars; one submission).

gnomAD v4.1: 7 of 1,614,084 alleles (0.00043%); highest among the groups gnomAD compares: African/African-American, 0.0013%; no homozygotes.

Submission:

Dasa
Classification: Uncertain significance. Last evaluated: 2025-12-29. Review status: criteria provided, single submitter. Criteria: DASA Assertion Criteria. Collection method: clinical testing. Allele origin: germline.
Comment: NM_001033561.2(PHF12):c.1526C>G (p.Ser509Cys) is a missense variant that results in the substitution of serine with cysteine. This variant is rare in population databases. The currently available literature and clinical evidence are not sufficient to establish a definitive association between this variant and the reported condition. Therefore, this variant is classified as a variant of uncertain significance.